The following is an entry in ClinVar:

NM_001904.4(CTNNB1):c.1777C>A (p.Leu593Ile)

Gene: CTNNB1 (catenin beta 1; plus strand). Cytogenetic location: 3p22.1.
Variant type: single nucleotide variant.
Coding change: c.1777C>A on transcript NM_001904.4 (MANE Select); coding-DNA position 1777, C replaced by A.
Protein change: p.Leu593Ile; replaces leucine 593 with isoleucine.
Molecular consequence: missense variant.
Genome position (GRCh38, 1-based): chr3:41,235,817, C>A. VCF-style: chr3-41235817-C-A. GRCh37 (hg19) VCF-style: chr3-41277308-C-A.
Other names: c.1777C>A, p.Leu593Ile (NM_001098209.2, NM_001098210.2); c.1756C>A, p.Leu586Ile (NM_001330729.2); short protein forms L586I, L593I.
Identifiers: ClinVar variation 1195308 (VCV001195308.2), dbSNP rs2125645002, ClinGen allele CA352235795.
Genomic context (GRCh38, chr3:41,235,817, plus strand): 5'-TGTACCGGAGCCCTTCACATCCTAGCTCGGGATGTTCACAACCGAATTGTTATCAGAGGA[C>A]TAAATACCATTCCATTGTTTGTGCAGGTATGTTTTAAGTGAAGTGTTCTAGGTTTTATGT-3'
Protein context (NP_001895.1, residues 583-603): DVHNRIVIRG[Leu593Ile]NTIPLFVQLL

ClinVar aggregate classification (germline): Uncertain significance (1 of 4 stars; one submission).

Submission:

GeneDx
Classification: Uncertain significance. Last evaluated: 2019-05-09. Review status: criteria provided, single submitter. Criteria: GeneDx Variant Classification Process June 2021. Collection method: clinical testing. Allele origin: germline. Affected: yes.
Comment: Not observed in large population cohorts (Lek et al., 2016); In silico analysis, which includes protein predictors and evolutionary conservation, supports that this variant does not alter protein structure/function; Has not been previously published as pathogenic or benign to our knowledge